The following is an entry in ClinVar:

NM_000337.6(SGCD):c.580_582dup (p.Glu194dup)

Gene: SGCD (sarcoglycan delta; plus strand). Cytogenetic location: 5q33.3.
Variant type: Duplication.
Coding change: c.580_582dup on transcript NM_000337.6 (MANE Select); coding-DNA positions 580 to 582, 3 bases duplicated (GAG; older notation c.580_582dupGAG).
Protein change: p.Glu194dup; duplicates glutamic acid 194.
Molecular consequence: inframe insertion.
Genome position (GRCh38, 1-based): chr5:156,757,585-156,757,587, GAG duplicated; duplicating any 3 consecutive bases within chr5:156,757,584-156,757,587 gives the same sequence; the c. name uses the placement nearest the transcript's 3' end. VCF-style (leftmost placement, unchanged base first): chr5-156757583-T-TGGA. GRCh37 (hg19) VCF-style: chr5-156184594-T-TGGA.
Other names: c.577_579dup, p.Glu193dup (NM_001128209.2); c.580_582dup, p.Glu194dup (NM_172244.3).
Identifiers: ClinVar variation 1473377 (VCV001473377.8), dbSNP rs2113176912, ClinGen allele CA2573139381.

ClinVar aggregate classification (germline): Uncertain significance (1 of 4 stars; one submission).

Conditions:
Autosomal recessive limb-girdle muscular dystrophy type 2F (LGMDR6). Also called: MUSCULAR DYSTROPHY, LIMB-GIRDLE, AUTOSOMAL RECESSIVE 6; Muscular dystrophy limb-girdle with delta-sarcoglyan deficiency. Identifiers: Orphanet 219, MedGen C1832525, MONDO:0011028, OMIM 601287. Disease mechanism: Affects gamma-sarcoglycan and also disrupts the integrity of the entire sarcoglycan complex..

Submission:

Labcorp Genetics (formerly Invitae), Labcorp
Classification: Uncertain significance for Autosomal recessive limb-girdle muscular dystrophy type 2F. Last evaluated: 2021-05-04. Review status: criteria provided, single submitter. Criteria: Invitae Variant Classification Sherloc (09022015). Collection method: clinical testing. Allele origin: germline.
Comment: This variant, c.580_582dup, results in the insertion of 1 amino acid(s) to the SGCD protein (p.Glu194dup), but otherwise preserves the integrity of the reading frame. This variant is not present in population databases (ExAC no frequency). In summary, the available evidence is currently insufficient to determine the role of this variant in disease. Therefore, it has been classified as a Variant of Uncertain Significance. Experimental studies and prediction algorithms are not available or were not evaluated, and the functional significance of this variant is currently unknown. This variant has not been reported in the literature in individuals with SGCD-related conditions.